The following is an entry in ClinVar:

ClinVar aggregate classification (germline): Uncertain significance. Review status: criteria provided, multiple submitters, no conflicts (2 of 4 stars). 2 submissions from 2 submitters: Uncertain significance (2). Last evaluated 2024-10-08.

Allele frequency attached by ClinVar (database versions not stated): gnomAD 0.00001; gnomAD exomes 0.00001; TOPMed 0.00001.
gnomAD v4.1: 11 of 1,613,852 alleles (0.00068%); highest among the groups gnomAD compares: Non-Finnish European, 0.00093%; no homozygotes.

Submissions (2):

GeneDx
Classification: Uncertain significance. Last evaluated: 2024-10-08. Review status: criteria provided, single submitter. Criteria: GeneDx Variant Classification Process June 2021. Collection method: clinical testing. Allele origin: germline. Affected: yes.
Comment: Has not been previously published as pathogenic or benign to our knowledge; Not observed at significant frequency in large population cohorts (gnomAD); In silico analysis indicates that this missense variant does not alter protein structure/function

Labcorp Genetics (formerly Invitae), Labcorp
Classification: Uncertain significance. Last evaluated: 2023-11-27. Review status: criteria provided, single submitter. Criteria: Invitae Variant Classification Sherloc (09022015). Collection method: clinical testing. Allele origin: germline.
Comment: This sequence change replaces isoleucine, which is neutral and non-polar, with valine, which is neutral and non-polar, at codon 696 of the OPA1 protein (p.Ile696Val). This variant is not present in population databases (gnomAD no frequency). This variant has not been reported in the literature in individuals affected with OPA1-related conditions. ClinVar contains an entry for this variant (Variation ID: 1386596). Advanced modeling of protein sequence and biophysical properties (such as structural, functional, and spatial information, amino acid conservation, physicochemical variation, residue mobility, and thermodynamic stability) performed at Invitae indicates that this missense variant is not expected to disrupt OPA1 protein function with a negative predictive value of 80%. In summary, the available evidence is currently insufficient to determine the role of this variant in disease. Therefore, it has been classified as a Variant of Uncertain Significance.

NM_130837.3(OPA1):c.2251A>G (p.Ile751Val)

Gene: OPA1 (OPA1 mitochondrial dynamin like GTPase; plus strand). Cytogenetic location: 3q29.
Variant type: single nucleotide variant.
Coding change: c.2251A>G on transcript NM_130837.3 (MANE Select); coding-DNA position 2251, A replaced by G.
Protein change: p.Ile751Val; replaces isoleucine 751 with valine.
Molecular consequence: missense variant.
Genome position (GRCh38, 1-based): chr3:193,657,152, A>G. VCF-style: chr3-193657152-A-G. GRCh37 (hg19) VCF-style: chr3-193374941-A-G.
Other names: c.1717A>G, p.Ile573Val (NM_001354663.2); c.1714A>G, p.Ile572Val (NM_001354664.2); c.2086A>G, p.Ile696Val (NM_015560.3); c.1978A>G, p.Ile660Val (NM_130831.3); c.2032A>G, p.Ile678Val (NM_130832.3); c.2089A>G, p.Ile697Val (NM_130833.3); c.2140A>G, p.Ile714Val (NM_130834.3); c.2143A>G, p.Ile715Val (NM_130835.3); and 2 more; short protein forms I572V, I678V, I696V, I715V, I714V, I751V, I573V, I733V.
Identifiers: ClinVar variation 1386596 (VCV001386596.7), dbSNP rs961676005, ClinGen allele CA90544573.